The following is an entry in ClinVar:

ClinVar aggregate classification (germline): Uncertain significance (1 of 4 stars; one submission).

Conditions:
Cardiovascular phenotype. Identifiers: MedGen CN230736.

Submission:

Ambry Genetics
Classification: Uncertain significance for Cardiovascular phenotype. Last evaluated: 2025-02-08. Review status: criteria provided, single submitter. Criteria: Ambry Variant Classification Scheme 2023. Collection method: clinical testing. Allele origin: germline.
Comment: The p.S238I variant (also known as c.713G>T), located in coding exon 7 of the SPRED1 gene, results from a G to T substitution at nucleotide position 713. The serine at codon 238 is replaced by isoleucine, an amino acid with dissimilar properties. This amino acid position is conserved. In addition, the in silico prediction for this alteration is inconclusive. Based on the available evidence, the clinical significance of this variant remains unclear.

NM_152594.3(SPRED1):c.713G>T (p.Ser238Ile)

Gene: SPRED1 (sprouty related EVH1 domain containing 1; plus strand). Cytogenetic location: 15q14.
Variant type: single nucleotide variant.
Coding change: c.713G>T on transcript NM_152594.3 (MANE Select); coding-DNA position 713, G replaced by T.
Protein change: p.Ser238Ile; replaces serine 238 with isoleucine.
Molecular consequence: missense variant.
Genome position (GRCh38, 1-based): chr15:38,351,042, G>T. VCF-style: chr15-38351042-G-T. GRCh37 (hg19) VCF-style: chr15-38643243-G-T.
Other names: short protein forms S238I.
Identifiers: ClinVar variation 3800917 (VCV003800917.1).